The following is an entry in ClinVar:

ClinVar aggregate classification (germline): Pathogenic/Likely pathogenic. Review status: criteria provided, multiple submitters, no conflicts (2 of 4 stars). 3 submissions from 3 submitters: Pathogenic (1); Likely pathogenic (1). 1 of the submissions does not count toward it. Last evaluated 2024-07-11.

Conditions:
Spondyloenchondrodysplasia with immune dysregulation (SPENCDI). Also called: SPONDYLOENCHONDRODYSPLASIA WITH OR WITHOUT IMMUNE DYSREGULATION; COMBINED IMMUNODEFICIENCY WITH AUTOIMMUNITY AND SPONDYLOMETAPHYSEAL DYSPLASIA; ROIFMAN IMMUNOSKELETAL SYNDROME. Identifiers: Orphanet 1855, MedGen C1842763, MONDO:0011939, OMIM 607944.

Submissions (3):

Labcorp Genetics (formerly Invitae), Labcorp
Classification: Pathogenic for Spondyloenchondrodysplasia with immune dysregulation. Last evaluated: 2024-07-11. Review status: criteria provided, single submitter. Criteria: Invitae Variant Classification Sherloc (09022015). Collection method: clinical testing. Allele origin: germline.
Comment: This sequence change creates a premature translational stop signal (p.Ser258Trpfs*39) in the ACP5 gene. While this is not anticipated to result in nonsense mediated decay, it is expected to disrupt the last 68 amino acid(s) of the ACP5 protein. This variant is not present in population databases (gnomAD no frequency). This premature translational stop signal has been observed in individual(s) with spondyloenchondrodysplasia with immune dysregulation (PMID: 21217755). ClinVar contains an entry for this variant (Variation ID: 225659). This variant disrupts a region of the ACP5 protein in which other variant(s) (p.Ser267*) have been determined to be pathogenic (PMID: 21217752). This suggests that this is a clinically significant region of the protein, and that variants that disrupt it are likely to be disease-causing. For these reasons, this variant has been classified as Pathogenic.

3billion
Classification: Likely pathogenic for Spondyloenchondrodysplasia with immune dysregulation. Last evaluated: 2022-09-01. Review status: criteria provided, single submitter. Criteria: ACMG Guidelines, 2015. Collection method: clinical testing. Allele origin: germline. Affected: yes. Observed: 1 heterozygote.
Comment: The variant is not observed in the gnomAD v2.1.1 dataset. Frameshift variant is predicted to result in a loss or disruption of normal protein function through protein truncation. The predicted truncated protein may be shortened by more than 10%. The variant has been reported to be in trans with a pathogenic variant as either compound heterozygous or homozygous in at least one similarly affected unrelated individual (PMID: 21217755 , 26789720). The variant has been reported to be associated with ACP5-related disorder (ClinVar ID: VCV000225659). Therefore, this variant is classified as Likely pathogenic according to the recommendation of ACMG/AMP guideline.

OMIM
Classification: Pathogenic for SPONDYLOENCHONDRODYSPLASIA WITH OR WITHOUT IMMUNE DYSREGULATION. Last evaluated: 2011-02-01. Review status: no assertion criteria provided. Collection method: literature only. Allele origin: germline. Not counted in ClinVar's aggregate classification.

Literature cited by the submitters: PubMed 21217755 (cited by 3 submitters); PubMed 21217752 (cited by Labcorp Genetics (formerly Invitae), Labcorp); PubMed 26789720 (cited by 3billion and OMIM).

NM_001611.5(ACP5):c.772_790del (p.Ser258fs)

Gene: ACP5 (acid phosphatase 5, tartrate resistant; minus strand). Cytogenetic location: 19p13.2.
Variant type: Deletion.
Coding change: c.772_790del on transcript NM_001611.5 (MANE Select); coding-DNA positions 772 to 790, 19 bases deleted (AGTGGGGCTGGGAATTTCA).
Protein change: p.Ser258fs; shifts the reading frame from serine 258.
Molecular consequence: frameshift variant.
Genome position (GRCh38, 1-based): chr19:11,575,198-11,575,216, TGAAATTCCCAGCCCCACT deleted on the plus strand (AGTGGGGCTGGGAATTTCA on the coding strand, the reverse complement: ACP5 is on the minus strand). VCF-style (leftmost placement, unchanged base first): chr19-11575197-ATGAAATTCCCAGCCCCACT-A. GRCh37 (hg19) VCF-style: chr19-11686012-ATGAAATTCCCAGCCCCACT-A.
Other names: c.772_790del, p.Ser258fs (NM_001111034.3, NM_001111035.3, NM_001111036.3 and 2 more transcripts); short protein forms S258fs.
Identifiers: ClinVar variation 225659 (VCV000225659.5), dbSNP rs878853218, ClinGen allele CA10576050.